The following is an entry in ClinVar:

ClinVar aggregate classification (germline): Uncertain significance (1 of 4 stars; one submission).

Allele frequency attached by ClinVar (database versions not stated): ExAC 0.00001; gnomAD 0.00001; TOPMed 0.00001; gnomAD exomes 0.00002.
gnomAD v4.1: 29 of 1,571,930 alleles (0.0018%); highest among the groups gnomAD compares: Non-Finnish European, 0.0024%; no homozygotes.

Submission:

Labcorp Genetics (formerly Invitae), Labcorp
Classification: Uncertain significance. Last evaluated: 2022-09-10. Review status: criteria provided, single submitter. Criteria: Invitae Variant Classification Sherloc (09022015). Collection method: clinical testing. Allele origin: germline.
Comment: In summary, the available evidence is currently insufficient to determine the role of this variant in disease. Therefore, it has been classified as a Variant of Uncertain Significance. Experimental studies and prediction algorithms are not available or were not evaluated, and the functional significance of this variant is currently unknown. This variant has not been reported in the literature in individuals affected with IFT88-related conditions. The frequency data for this variant in the population databases is considered unreliable, as metrics indicate poor data quality at this position in the gnomAD database. This sequence change replaces glutamic acid, which is acidic and polar, with lysine, which is basic and polar, at codon 39 of the IFT88 protein (p.Glu39Lys).

NM_006531.5(IFT88):c.88G>A (p.Glu30Lys)

Gene: IFT88 (intraflagellar transport 88; plus strand). Cytogenetic location: 13q12.11.
Variant type: single nucleotide variant.
Coding change: c.88G>A on transcript NM_006531.5 (MANE Select); coding-DNA position 88, G replaced by A.
Protein change: p.Glu30Lys; replaces glutamic acid 30 with lysine.
Molecular consequence: missense variant. On other transcripts: 5 prime UTR variant (1), non-coding transcript variant (5).
Genome position (GRCh38, 1-based): chr13:20,574,473, G>A. VCF-style: chr13-20574473-G-A. GRCh37 (hg19) VCF-style: chr13-21148612-G-A.
Other names: c.88G>A, p.Glu30Lys (NM_001318491.2, NM_001353568.2, NM_001353571.2 and 5 more transcripts); c.115G>A, p.Glu39Lys (NM_001318493.2, NM_001353565.2, NM_001353566.2 and 6 more transcripts); c.-476G>A (NM_001353579.2); short protein forms E30K, E39K.
Identifiers: ClinVar variation 2189869 (VCV002189869.4), dbSNP rs754431917, ClinGen allele CA6904929.